The following is an entry in ClinVar:

ClinVar aggregate classification (germline): Pathogenic (1 of 4 stars; one submission).

Submission:

Labcorp Genetics (formerly Invitae), Labcorp
Classification: Pathogenic. Last evaluated: 2020-11-23. Review status: criteria provided, single submitter. Criteria: Invitae Variant Classification Sherloc (09022015). Collection method: clinical testing. Allele origin: germline.
Comment: For these reasons, this variant has been classified as Pathogenic. This variant disrupts the triple helix domain of COL4A5. Glycine residues within the Gly-Xaa-Yaa repeats of the triple helix domain are required for the structure and stability of fibrillar collagens (PMID: 7695699, 8218237, 19344236). In COL4A5, missense variants at these glycine residues are significantly enriched in individuals with disease (PMID: 23720012, 27627812) compared to the general population (ExAC). This variant has not been reported in the literature in individuals with COL4A5-related conditions. This variant is a gross deletion of the genomic region encompassing exon(s) 22 of the COL4A5 gene. This variant would be expected to be in-frame, preserving the integrity of the reading frame.

Literature cited by the submitters: PubMed 7695699; PubMed 8218237; PubMed 19344236; PubMed 23720012; PubMed 27627812.

NC_000023.10:g.(?_107838719)_(107838851_?)del

Gene: COL4A5 (collagen type IV alpha 5 chain; plus strand). Cytogenetic location: Xq22.3.
Variant type: Deletion.
Identifiers: ClinVar variation 1460110 (VCV001460110.6).